The following is an entry in ClinVar:

NM_002693.3(POLG):c.2195A>G (p.Tyr732Cys)

Gene: POLG (DNA polymerase gamma, catalytic subunit; minus strand). Cytogenetic location: 15q26.1.
Variant type: single nucleotide variant.
Coding change: c.2195A>G on transcript NM_002693.3 (MANE Select); coding-DNA position 2195, A replaced by G.
Protein change: p.Tyr732Cys; replaces tyrosine 732 with cysteine.
Molecular consequence: missense variant.
Genome position (GRCh38, 1-based): chr15:89,323,474, T>C on the plus strand (A>G on the coding strand, the complement: POLG is on the minus strand). VCF-style: chr15-89323474-T-C. GRCh37 (hg19) VCF-style: chr15-89866705-T-C.
Other names: p.Y732C:TAT>TGT; c.2195A>G, p.Tyr732Cys (NM_001126131.2); short protein forms Y732C.
Identifiers: ClinVar variation 206515 (VCV000206515.18), dbSNP rs760305786, ClinGen allele CA316676.

ClinVar aggregate classification (germline): Uncertain significance. Review status: criteria provided, multiple submitters, no conflicts (2 of 4 stars). 5 submissions from 5 submitters: Uncertain significance (5). Last evaluated 2026-02-01.

Conditions:
POLG-related disorder. Also called: POLG-Related Spectrum Disorders; POLG-related condition; POLG-Related Disorders. Identifiers: MedGen C4763519.
Progressive sclerosing poliodystrophy (MTDPS4A). Also called: Mitochondrial DNA depletion syndrome 4A (Alpers type); Mitochondrial DNA Depletion Syndrome 4A; ALPERS PROGRESSIVE INFANTILE POLIODYSTROPHY; Alpers-Huttenlocher Syndrome; Alpers Syndrome; ALPERS DIFFUSE DEGENERATION OF CEREBRAL GRAY MATTER WITH HEPATIC CIRRHOSIS. Identifiers: Orphanet 726, MedGen C0205710, MONDO:0008758, OMIM 203700.

Allele frequency attached by ClinVar (database versions not stated): ExAC 0.00001; gnomAD 0.00001 and 0.00002; gnomAD exomes 0.00001 and 0.00002; TOPMed 0.00002.

Submissions (5):

CeGaT Center for Human Genetics Tuebingen
Classification: Uncertain significance. Last evaluated: 2026-02-01. Review status: criteria provided, single submitter. Criteria: CeGaT Center For Human Genetics Tuebingen Variant Classification Criteria Version 2. Collection method: clinical testing. Allele origin: germline. Affected: yes. Observed: 1 variant allele.
Comment: POLG: PM2

Labcorp Genetics (formerly Invitae), Labcorp
Classification: Uncertain significance for Progressive sclerosing poliodystrophy. Last evaluated: 2025-09-02. Review status: criteria provided, single submitter. Criteria: Invitae Variant Classification Sherloc (09022015). Collection method: clinical testing. Allele origin: germline.
Comment: This sequence change replaces tyrosine, which is neutral and polar, with cysteine, which is neutral and slightly polar, at codon 732 of the POLG protein (p.Tyr732Cys). This variant is present in population databases (rs760305786, gnomAD 0.002%). This variant has not been reported in the literature in individuals affected with POLG-related conditions. ClinVar contains an entry for this variant (Variation ID: 206515). Invitae Evidence Modeling of protein sequence and biophysical properties (such as structural, functional, and spatial information, amino acid conservation, physicochemical variation, residue mobility, and thermodynamic stability) indicates that this missense variant is not expected to disrupt POLG protein function with a negative predictive value of 95%. In summary, the available evidence is currently insufficient to determine the role of this variant in disease. Therefore, it has been classified as a Variant of Uncertain Significance.

PreventionGenetics, part of Exact Sciences
Classification: Uncertain significance for POLG-related condition. Last evaluated: 2024-12-02. Review status: criteria provided, single submitter. Criteria: ACMG Guidelines, 2015. Collection method: clinical testing. Allele origin: germline.
Comment: The POLG c.2195A>G variant is predicted to result in the amino acid substitution p.Tyr732Cys. To our knowledge, this variant has not been reported in the literature. This variant is reported in 0.0018% of alleles in individuals of European (Non-Finnish) descent in gnomAD. At this time, the clinical significance of this variant is uncertain due to the absence of conclusive functional and genetic evidence.

GeneDx
Classification: Uncertain significance. Last evaluated: 2023-08-28. Review status: criteria provided, single submitter. Criteria: GeneDx Variant Classification Process June 2021. Collection method: clinical testing. Allele origin: germline. Affected: yes.
Comment: Not observed at significant frequency in large population cohorts (gnomAD); In silico analysis supports that this missense variant does not alter protein structure/function; Has not been previously published as pathogenic or benign to our knowledge

Athena Diagnostics
Classification: Uncertain significance. Last evaluated: 2021-01-15. Review status: criteria provided, single submitter. Criteria: Athena Diagnostics criteria. Collection method: clinical testing. Allele origin: unknown.